The following is an entry in ClinVar:

NM_002439.5(MSH3):c.1877G>C (p.Cys626Ser)

Gene: MSH3 (mutS homolog 3; plus strand). Cytogenetic location: 5q14.1.
Variant type: single nucleotide variant.
Coding change: c.1877G>C on transcript NM_002439.5 (MANE Select); coding-DNA position 1877, G replaced by C.
Protein change: p.Cys626Ser; replaces cysteine 626 with serine.
Molecular consequence: missense variant.
Genome position (GRCh38, 1-based): chr5:80,761,659, G>C. VCF-style: chr5-80761659-G-C. GRCh37 (hg19) VCF-style: chr5-80057478-G-C.
Other names: short protein forms C626S.
Identifiers: ClinVar variation 2099308 (VCV002099308.4), dbSNP rs780102728, ClinGen allele CA360276702.
Genomic context (GRCh38, chr5:80,761,659, plus strand): 5'-GTGTGTTTGGTCAGATAGAAAATCATCTACGTAAATTGCCCGACATAGAGAGGGGACTCT[G>C]TAGCATTTATCACAAAAAAGTAAGTGTGATAGAAATCTATTAAAGCTGACAGTGTTCTTC-3'
Protein context (NP_002430.3, residues 616-636): RKLPDIERGL[Cys626Ser]SIYHKKCSTQ

ClinVar aggregate classification (germline): Uncertain significance (1 of 4 stars; one submission).

Submission:

Labcorp Genetics (formerly Invitae), Labcorp
Classification: Uncertain significance. Last evaluated: 2024-10-29. Review status: criteria provided, single submitter. Criteria: Invitae Variant Classification Sherloc (09022015). Collection method: clinical testing. Allele origin: germline.
Comment: This sequence change replaces cysteine, which is neutral and slightly polar, with serine, which is neutral and polar, at codon 626 of the MSH3 protein (p.Cys626Ser). This variant is not present in population databases (gnomAD no frequency). This variant has not been reported in the literature in individuals affected with MSH3-related conditions. ClinVar contains an entry for this variant (Variation ID: 2099308). An algorithm developed to predict the effect of missense changes on protein structure and function (PolyPhen-2) suggests that this variant is likely to be tolerated. In summary, the available evidence is currently insufficient to determine the role of this variant in disease. Therefore, it has been classified as a Variant of Uncertain Significance.